The following is an entry in ClinVar:

ClinVar aggregate classification (germline): Pathogenic/Likely pathogenic. Review status: criteria provided, multiple submitters, no conflicts (2 of 4 stars). 2 submissions from 2 submitters: Pathogenic (1); Likely pathogenic (1). Last evaluated 2024-09-15.

Conditions:
Hearing loss, autosomal recessive 94. Also called: Deafness, autosomal recessive 94. Identifiers: MedGen C5193096, MONDO:0032749, OMIM 618434.

Submissions (2):

GeneDx
Classification: Pathogenic. Last evaluated: 2024-09-15. Review status: criteria provided, single submitter. Criteria: GeneDx Variant Classification Process June 2021. Collection method: clinical testing. Allele origin: germline. Affected: yes.
Comment: Nonsense variant predicted to result in protein truncation or nonsense mediated decay in a gene for which loss of function is a known mechanism of disease; Not observed at significant frequency in large population cohorts (gnomAD); Has not been previously published as pathogenic or benign to our knowledge

Knight Diagnostic Laboratories, Oregon Health and Sciences University
Classification: Likely pathogenic for Deafness, autosomal recessive 94. Last evaluated: 2018-06-04. Review status: criteria provided, single submitter. Criteria: ACMG Guidelines, 2015. Collection method: clinical testing. Allele origin: germline. Observed: 1 variant allele.

NM_024678.6(NARS2):c.727C>T (p.Arg243Ter)

Gene: NARS2 (asparaginyl-tRNA synthetase 2, mitochondrial; minus strand). Cytogenetic location: 11q14.1.
Variant type: single nucleotide variant.
Coding change: c.727C>T on transcript NM_024678.6 (MANE Select); coding-DNA position 727, C replaced by T.
Protein change: p.Arg243Ter; replaces arginine 243 with a stop codon.
Molecular consequence: nonsense.
Genome position (GRCh38, 1-based): chr11:78,493,158, G>A on the plus strand (C>T on the coding strand, the complement: NARS2 is on the minus strand). VCF-style: chr11-78493158-G-A. GRCh37 (hg19) VCF-style: chr11-78204204-G-A.
Other names: c.46C>T, p.Arg16Ter (NM_001243251.2); short protein forms R16*, R243*.
Identifiers: ClinVar variation 379735 (VCV000379735.6), dbSNP rs952741388, ClinGen allele CA16606340.